The following is an entry in ClinVar:

NM_000135.4(FANCA):c.178C>T (p.Leu60Phe)

Gene: FANCA (FA complementation group A; minus strand). Cytogenetic location: 16q24.3.
Variant type: single nucleotide variant.
Coding change: c.178C>T on transcript NM_000135.4 (MANE Select); coding-DNA position 178, C replaced by T.
Protein change: p.Leu60Phe; replaces leucine 60 with phenylalanine.
Molecular consequence: missense variant.
Genome position (GRCh38, 1-based): chr16:89,815,888, G>A on the plus strand (C>T on the coding strand, the complement: FANCA is on the minus strand). VCF-style: chr16-89815888-G-A. GRCh37 (hg19) VCF-style: chr16-89882296-G-A.
Other names: c.178C>T (LRG_495t1); c.178C>T, p.Leu60Phe (NM_001018112.3, NM_001286167.3, NM_001351830.2); short protein forms L60F.
Identifiers: ClinVar variation 408202 (VCV000408202.11), dbSNP rs1060501885, ClinGen allele CA16615478.

ClinVar aggregate classification (germline): Uncertain significance. Review status: criteria provided, single submitter (1 of 4 stars). 2 submissions from 2 submitters: Uncertain significance (1). 1 of the submissions does not count toward it. Last evaluated 2024-04-15.

Conditions:
Fanconi anemia (FA). Also called: Fanconi's anemia. Identifiers: Orphanet 84, MedGen C0015625, MeSH D005199, MONDO:0019391.
Fanconi anemia complementation group A (FANCA). Also called: FANCA-Related Fanconi Anemia; Fanconi anemia, group A. Identifiers: Orphanet 84, MedGen C3469521, MONDO:0009215, OMIM 227650.

Allele frequency attached by ClinVar (database versions not stated): gnomAD 0.00003.
gnomAD v4.1: 2 of 1,612,848 alleles (0.00012%); highest among the groups gnomAD compares: African/African-American, 0.0013%; no homozygotes.

Submissions (2):

Labcorp Genetics (formerly Invitae), Labcorp
Classification: Uncertain significance for Fanconi anemia. Last evaluated: 2024-04-15. Review status: criteria provided, single submitter. Criteria: Invitae Variant Classification Sherloc (09022015). Collection method: clinical testing. Allele origin: germline.
Comment: This sequence change replaces leucine, which is neutral and non-polar, with phenylalanine, which is neutral and non-polar, at codon 60 of the FANCA protein (p.Leu60Phe). This variant is present in population databases (no rsID available, gnomAD 0.007%). This variant has not been reported in the literature in individuals affected with FANCA-related conditions. ClinVar contains an entry for this variant (Variation ID: 408202). Advanced modeling of protein sequence and biophysical properties (such as structural, functional, and spatial information, amino acid conservation, physicochemical variation, residue mobility, and thermodynamic stability) has been performed at Invitae for this missense variant, however the output from this modeling did not meet the statistical confidence thresholds required to predict the impact of this variant on FANCA protein function. In summary, the available evidence is currently insufficient to determine the role of this variant in disease. Therefore, it has been classified as a Variant of Uncertain Significance.

Natera, Inc.
Classification: Uncertain significance for Fanconi anemia, group A. Last evaluated: 2020-09-16. Review status: no assertion criteria provided. Collection method: clinical testing. Allele origin: germline. Not counted in ClinVar's aggregate classification.